The following is an entry in ClinVar:

NM_003738.5(PTCH2):c.3484G>A (p.Val1162Met)

Gene: PTCH2 (patched 2; minus strand). Cytogenetic location: 1p34.1.
Variant type: single nucleotide variant.
Coding change: c.3484G>A on transcript NM_003738.5 (MANE Select); coding-DNA position 3484, G replaced by A.
Protein change: p.Val1162Met; replaces valine 1162 with methionine.
Molecular consequence: missense variant. On other transcripts: intron variant (1).
Genome position (GRCh38, 1-based): chr1:44,822,543, C>T on the plus strand (G>A on the coding strand, the complement: PTCH2 is on the minus strand). VCF-style: chr1-44822543-C-T. GRCh37 (hg19) VCF-style: chr1-45288215-C-T.
Other names: c.3425+59G>A (NM_001166292.2); short protein forms V1162M.
Identifiers: ClinVar variation 3690203 (VCV003690203.2).
Genomic context (GRCh38, chr1:44,822,543, plus strand): 5'-GGGGCTCATCAGGGGCTGGATGGATGTAGGCACCAGGCAGGGGGGGTGGGTGGATGGCCA[C>T]GGTCATGGAGGTAGTCACTCTGGCAAAGCTCTGGGGCAGGGAGGAGGATGCCCCCCACCT-3'
Protein context (NP_003729.3, residues 1152-1172): SFARVTTSMT[Val1162Met]AIHPPPLPGA

ClinVar aggregate classification (germline): Uncertain significance (1 of 4 stars; one submission).

Conditions:
Gorlin syndrome. Also called: Basal cell nevus syndrome; Nevoid Basal Cell Carcinoma Syndrome. Identifiers: Orphanet 377, MedGen C0004779, MONDO:0007187.

Submission:

Labcorp Genetics (formerly Invitae), Labcorp
Classification: Uncertain significance for Gorlin syndrome. Last evaluated: 2024-04-03. Review status: criteria provided, single submitter. Criteria: Invitae Variant Classification Sherloc (09022015). Collection method: clinical testing. Allele origin: germline.
Comment: This sequence change replaces valine, which is neutral and non-polar, with methionine, which is neutral and non-polar, at codon 1162 of the PTCH2 protein (p.Val1162Met). This variant is present in population databases (rs764837141, gnomAD 0.006%). This variant has not been reported in the literature in individuals affected with PTCH2-related conditions. An algorithm developed to predict the effect of missense changes on protein structure and function (PolyPhen-2) suggests that this variant is likely to be tolerated. In summary, the available evidence is currently insufficient to determine the role of this variant in disease. Therefore, it has been classified as a Variant of Uncertain Significance.